The following is an entry in ClinVar:

NM_000492.4(CFTR):c.4219A>G (p.Met1407Val)

Gene: CFTR (CF transmembrane conductance regulator; plus strand). Cytogenetic location: 7q31.2.
Variant type: single nucleotide variant.
Coding change: c.4219A>G on transcript NM_000492.4 (MANE Select); coding-DNA position 4219, A replaced by G.
Protein change: p.Met1407Val; replaces methionine 1407 with valine.
Molecular consequence: missense variant.
Genome position (GRCh38, 1-based): chr7:117,665,541, A>G. VCF-style: chr7-117665541-A-G. GRCh37 (hg19) VCF-style: chr7-117305595-A-G.
Other names: short protein forms M1407V.
Identifiers: ClinVar variation 1738796 (VCV001738796.2), dbSNP rs2485183188, ClinGen allele CA368983747.

ClinVar aggregate classification (germline): Uncertain significance (1 of 4 stars; one submission).

Conditions:
Cystic fibrosis (CF). Also called: MUCOVISCIDOSIS. Identifiers: Orphanet 586, MedGen C0010674, MONDO:0009061, OMIM 219700. Disease mechanism: loss of function.

Allele frequency attached by ClinVar (database versions not stated): gnomAD exomes below 0.00001.

Submission:

Ambry Genetics
Classification: Uncertain significance for Cystic fibrosis. Last evaluated: 2021-04-26. Review status: criteria provided, single submitter. Criteria: Ambry Variant Classification Scheme 2023. Collection method: clinical testing. Allele origin: germline.
Comment: The p.M1407V variant (also known as c.4219A>G), located in coding exon 26 of the CFTR gene, results from an A to G substitution at nucleotide position 4219. The methionine at codon 1407 is replaced by valine, an amino acid with highly similar properties. This amino acid position is not well conserved in available vertebrate species. In addition, the in silico prediction for this alteration is inconclusive. Since supporting evidence is limited at this time, the clinical significance of this alteration remains unclear.